The following is an entry in ClinVar:

ClinVar aggregate classification (germline): Uncertain significance (1 of 4 stars; one submission).

Submission:

Dasa
Classification: Uncertain significance. Last evaluated: 2025-09-17. Review status: criteria provided, single submitter. Criteria: DASA Assertion Criteria. Collection method: clinical testing. Allele origin: germline.
Comment: NM_024911.7(WLS):c.1018G>T (p.Gly340*) is a nonsense variant in WLS predicted to introduce a premature termination codon. This variant is absent from population databases. The currently available literature and clinical evidence are not sufficient to establish a definitive association between this variant and the reported condition. Therefore, this variant is classified as a variant of uncertain significance.

NM_024911.7(WLS):c.1018G>T (p.Gly340Ter)

Genes: GNG12-AS1 (GNG12, DIRAS3 and WLS antisense RNA 1; plus strand), WLS (Wnt ligand secretion mediator; minus strand), LOC126805752 (BRD4-independent group 4 enhancer GRCh37_chr1:68613408-68614607; plus strand). Cytogenetic location: 1p31.3.
Variant type: single nucleotide variant.
Coding change: c.1018G>T on transcript NM_024911.7 (MANE Select); coding-DNA position 1018, G replaced by T.
Protein change: p.Gly340Ter; replaces glycine 340 with a stop codon.
Molecular consequence: nonsense.
Genome position (GRCh38, 1-based): chr1:68,148,615, C>A on the plus strand (G>T on the coding strand, the complement: WLS is on the minus strand). VCF-style: chr1-68148615-C-A. GRCh37 (hg19) VCF-style: chr1-68614298-C-A.
Other names: c.1012G>T, p.Gly338Ter (NM_001002292.4); c.745G>T, p.Gly249Ter (NM_001193334.1); short protein forms G249*, G338*, G340*.
Identifiers: ClinVar variation 4885147 (VCV004885147.2).